The following is an entry in ClinVar:

NM_013382.7(POMT2):c.*1967C>T

Gene: POMT2 (protein O-mannosyltransferase 2; minus strand). Cytogenetic location: 14q24.3.
Variant type: single nucleotide variant.
Coding change: c.*1967C>T on transcript NM_013382.7 (MANE Select); 1967 bases downstream of the stop codon, C replaced by T.
Molecular consequence: 3 prime UTR variant.
Genome position (GRCh38, 1-based): chr14:77,275,409, G>A on the plus strand (C>T on the coding strand, the complement: POMT2 is on the minus strand). VCF-style: chr14-77275409-G-A. GRCh37 (hg19) VCF-style: chr14-77741752-G-A.
Identifiers: ClinVar variation 314515 (VCV000314515.6), dbSNP rs11547794, ClinGen allele CA10641075.

ClinVar aggregate classification (germline): Benign. Review status: criteria provided, multiple submitters, no conflicts (2 of 4 stars). 2 submissions from 2 submitters: Benign (2). Last evaluated 2018-01-13.

Conditions:
Autosomal recessive limb-girdle muscular dystrophy type 2N. Also called: MUSCULAR DYSTROPHY-DYSTROGLYCANOPATHY, LIMB-GIRDLE, POMT2-RELATED; Muscular dystrophy-dystroglycanopathy (limb-girdle), type C, 2. Identifiers: Orphanet 206559, MedGen C3150418, MONDO:0013162, OMIM 613158.

Allele frequency attached by ClinVar (database versions not stated): 1000 Genomes Project 30x 0.35618; 1000 Genomes Project 0.36422; TOPMed 0.38671; gnomAD exomes 0.40385; gnomAD 0.41103 and 0.41356.
gnomAD v4.1: 62,839 of 151,744 alleles (41%); highest among the groups gnomAD compares: Non-Finnish European, 53%; 14,685 homozygotes.

Submissions (2):

Illumina Laboratory Services, Illumina
Classification: Benign for Autosomal recessive limb-girdle muscular dystrophy type 2N. Last evaluated: 2018-01-13. Review status: criteria provided, single submitter. Criteria: ICSL Variant Classification Criteria 13 December 2019. Collection method: clinical testing. Allele origin: germline.
Comment: This variant was observed in the ICSL laboratory as part of a predisposition screen in an ostensibly healthy population. It had not been previously curated by ICSL or reported in the Human Gene Mutation Database (HGMD: prior to June 1st, 2018), and was therefore a candidate for classification through an automated scoring system. Utilizing variant allele frequency, disease prevalence and penetrance estimates, and inheritance mode, an automated score was calculated to assess if this variant is too frequent to cause the disease. Based on the score and internal cut-off values, a variant classified as benign is not then subjected to further curation. The score for this variant resulted in a classification of benign for this disease.

Breakthrough Genomics
Classification: Benign. Review status: criteria provided, single submitter. Criteria: ACMG Guidelines, 2015. Collection method: not provided. Allele origin: germline. Inheritance: Autosomal recessive inheritance. Affected: yes.